The following is an entry in ClinVar:

ClinVar aggregate classification (germline): Uncertain significance (1 of 4 stars; one submission).

Conditions:
Hereditary cancer-predisposing syndrome. Also called: Hereditary Cancer Syndrome; Hereditary neoplastic syndrome; Neoplastic Syndromes, Hereditary; Tumor predisposition. Identifiers: Orphanet 140162, MedGen C0027672, MeSH D009386, MONDO:0015356.

Submission:

Ambry Genetics
Classification: Uncertain significance for Hereditary cancer-predisposing syndrome. Last evaluated: 2026-09-11. Review status: criteria provided, single submitter. Criteria: Ambry Variant Classification Scheme 2023. Collection method: clinical testing. Allele origin: germline.
Comment: The p.W730R variant (also known as c.2188T>C), located in coding exon 14 of the PTCH1 gene, results from a T to C substitution at nucleotide position 2188. The tryptophan at codon 730 is replaced by arginine, an amino acid with dissimilar properties. This amino acid position is highly conserved in available vertebrate species. In addition, this alteration is predicted to be deleterious by in silico analysis. Based on the available evidence, the clinical significance of this variant remains unclear.

NM_000264.5(PTCH1):c.2188T>C (p.Trp730Arg)

Genes: PTCH1 (patched 1; minus strand), LOC100507346 (uncharacterized LOC100507346; plus strand). Cytogenetic location: 9q22.32.
Variant type: single nucleotide variant.
Coding change: c.2188T>C on transcript NM_000264.5 (MANE Select); coding-DNA position 2188, T replaced by C.
Protein change: p.Trp730Arg; replaces tryptophan 730 with arginine.
Molecular consequence: missense variant. On other transcripts: non-coding transcript variant (2).
Genome position (GRCh38, 1-based): chr9:95,468,813, A>G on the plus strand (T>C on the coding strand, the complement: PTCH1 is on the minus strand). VCF-style: chr9-95468813-A-G. GRCh37 (hg19) VCF-style: chr9-98231095-A-G.
Other names: c.1990T>C, p.Trp664Arg (NM_001083602.3); c.2185T>C, p.Trp729Arg (NM_001083603.3); c.1735T>C, p.Trp579Arg (NM_001083604.3, NM_001083605.3, NM_001083606.3 and 1 more transcripts); c.2032T>C, p.Trp678Arg (NM_001354918.2); short protein forms W664R, W678R, W729R, W579R, W730R.
Identifiers: ClinVar variation 2449688 (VCV002449688.3), dbSNP rs2118029375, ClinGen allele CA374115399.
Genomic context (GRCh38, chr9:95,468,813, plus strand): 5'-TGGCTTTTGGTTTCAAGAGGAAAGGAGCATAGTGCTTCTCAGCAAAAGATGAGAGTGTCC[A>G]CTTCGTACAGGGGGGCTCGAGGCAGTGGAGGCTGGAGTCGGAGAACTGGGAGAGCAGGTC-3'
Protein context (NP_000255.2, residues 720-740): LHCLEPPCTK[Trp730Arg]TLSSFAEKHY